The following is an entry in ClinVar:

ClinVar aggregate classification (germline): Uncertain significance. Review status: criteria provided, multiple submitters, no conflicts (2 of 4 stars). 2 submissions from 2 submitters: Uncertain significance (2). Last evaluated 2025-03-08.

Conditions:
Inborn genetic diseases. Identifiers: MedGen C0950123, MeSH D030342.

Allele frequency attached by ClinVar (database versions not stated): ExAC 0.00006; gnomAD 0.00009; 1000 Genomes Project 0.00060; 1000 Genomes Project 30x 0.00062.
gnomAD v4.1: 49 of 1,614,144 alleles (0.003%); highest among the groups gnomAD compares: Admixed American, 0.03%; no homozygotes.

Submissions (2):

Labcorp Genetics (formerly Invitae), Labcorp
Classification: Uncertain significance. Last evaluated: 2025-03-08. Review status: criteria provided, single submitter. Criteria: Invitae Variant Classification Sherloc (09022015). Collection method: clinical testing. Allele origin: germline.
Comment: This sequence change replaces arginine, which is basic and polar, with cysteine, which is neutral and slightly polar, at codon 618 of the LAMB3 protein (p.Arg618Cys). This variant is present in population databases (rs200108885, gnomAD 0.02%). This variant has not been reported in the literature in individuals affected with LAMB3-related conditions. ClinVar contains an entry for this variant (Variation ID: 3117619). Invitae Evidence Modeling of protein sequence and biophysical properties (such as structural, functional, and spatial information, amino acid conservation, physicochemical variation, residue mobility, and thermodynamic stability) indicates that this missense variant is not expected to disrupt LAMB3 protein function with a negative predictive value of 80%. In summary, the available evidence is currently insufficient to determine the role of this variant in disease. Therefore, it has been classified as a Variant of Uncertain Significance.

Ambry Genetics
Classification: Uncertain significance for Inborn genetic diseases. Last evaluated: 2023-10-24. Review status: criteria provided, single submitter. Criteria: Ambry Variant Classification Scheme 2023. Collection method: clinical testing. Allele origin: germline.

NM_000228.3(LAMB3):c.1852C>T (p.Arg618Cys)

Gene: LAMB3 (laminin subunit beta 3; minus strand). Cytogenetic location: 1q32.2.
Variant type: single nucleotide variant.
Coding change: c.1852C>T on transcript NM_000228.3 (MANE Select); coding-DNA position 1852, C replaced by T.
Protein change: p.Arg618Cys; replaces arginine 618 with cysteine.
Molecular consequence: missense variant.
Genome position (GRCh38, 1-based): chr1:209,625,772, G>A on the plus strand (C>T on the coding strand, the complement: LAMB3 is on the minus strand). VCF-style: chr1-209625772-G-A. GRCh37 (hg19) VCF-style: chr1-209799117-G-A.
Other names: c.1852C>T, p.Arg618Cys (NM_001017402.2, NM_001127641.1); short protein forms R618C.
Identifiers: ClinVar variation 3117619 (VCV003117619.2), dbSNP rs200108885, ClinGen allele CA1375449.